The following is an entry in ClinVar:

ClinVar aggregate classification (germline): Uncertain significance (1 of 4 stars; one submission).

gnomAD v4.1: 5 of 1,612,910 alleles (0.00031%); highest among the groups gnomAD compares: South Asian, 0.0055%; no homozygotes.

Submission:

Labcorp Genetics (formerly Invitae), Labcorp
Classification: Uncertain significance. Last evaluated: 2025-09-29. Review status: criteria provided, single submitter. Criteria: Invitae Variant Classification Sherloc (09022015). Collection method: clinical testing. Allele origin: germline.
Comment: This sequence change replaces leucine, which is neutral and non-polar, with methionine, which is neutral and non-polar, at codon 320 of the TWNK protein (p.Leu320Met). This variant is present in population databases (no rsID available, gnomAD 0.003%). This variant has not been reported in the literature in individuals affected with TWNK-related conditions. Invitae Evidence Modeling of protein sequence and biophysical properties (such as structural, functional, and spatial information, amino acid conservation, physicochemical variation, residue mobility, and thermodynamic stability) has been performed for this missense variant. However, the output from this modeling did not meet the statistical confidence thresholds required to predict the impact of this variant on TWNK protein function. In summary, the available evidence is currently insufficient to determine the role of this variant in disease. Therefore, it has been classified as a Variant of Uncertain Significance.

NM_021830.5(TWNK):c.958T>A (p.Leu320Met)

Gene: TWNK (twinkle mtDNA helicase; plus strand). Cytogenetic location: 10q24.31.
Variant type: single nucleotide variant.
Coding change: c.958T>A on transcript NM_021830.5 (MANE Select); coding-DNA position 958, T replaced by A.
Protein change: p.Leu320Met; replaces leucine 320 with methionine.
Molecular consequence: missense variant. On other transcripts: non-coding transcript variant (4), intron variant (3).
Genome position (GRCh38, 1-based): chr10:100,989,168, T>A. VCF-style: chr10-100989168-T-A. GRCh37 (hg19) VCF-style: chr10-102748925-T-A.
Other names: c.958T>A, p.Leu320Met (NM_001163812.2); c.-119-476T>A (NM_001163814.2, NM_001163813.2); c.-57-538T>A (NM_001368275.1); short protein forms L320M.
Identifiers: ClinVar variation 4759892 (VCV004759892.1).